The following is an entry in ClinVar:

NM_000090.4(COL3A1):c.3847C>G (p.Gln1283Glu)

Gene: COL3A1 (collagen type III alpha 1 chain; plus strand). Cytogenetic location: 2q32.2.
Variant type: single nucleotide variant.
Coding change: c.3847C>G on transcript NM_000090.4 (MANE Select); coding-DNA position 3847, C replaced by G.
Protein change: p.Gln1283Glu; replaces glutamine 1283 with glutamic acid.
Molecular consequence: missense variant.
Genome position (GRCh38, 1-based): chr2:189,010,201, C>G. VCF-style: chr2-189010201-C-G. GRCh37 (hg19) VCF-style: chr2-189874927-C-G.
Other names: short protein forms Q1283E.
Identifiers: ClinVar variation 1429982 (VCV001429982.9), dbSNP rs587779467, ClinGen allele CA076329.
Genomic context (GRCh38, chr2:189,010,201, plus strand): 5'-TTATAACCAATTCCCATTCTTTTTTGTGACTATTCAGGAGAATACTGGGTTGACCCTAAC[C>G]AAGGATGCAAATTGGATGCTATCAAGGTATTCTGTAATATGGAAACTGGGGAAACATGCA-3'
Protein context (NP_000081.2, residues 1273-1293): KSGEYWVDPN[Gln1283Glu]GCKLDAIKVF

ClinVar aggregate classification (germline): Uncertain significance. Review status: criteria provided, multiple submitters, no conflicts (2 of 4 stars). 2 submissions from 2 submitters: Uncertain significance (2). Last evaluated 2024-09-21.

Conditions:
Ehlers-Danlos syndrome, type 4 (EDSVASC). Also called: Ehlers-Danlos syndrome vascular type; Ehlers Danlos syndrome, ecchymotic type; Ehlers Danlos syndrome, arterial type; Ehlers Danlos syndrome, Sack-Barabas type; Ehlers-Danlos Syndrome Type IV. Identifiers: Orphanet 286, MedGen C0268338, MONDO:0017314, OMIM 130050.

Allele frequency attached by ClinVar (database versions not stated): gnomAD exomes below 0.00001 and 0.00001; ExAC 0.00001; gnomAD 0.00001; TOPMed 0.00001.
gnomAD v4.1: 2 of 1,613,962 alleles (0.00012%); highest among the groups gnomAD compares: African/African-American, 0.0027%; no homozygotes.

Submissions (2):

Labcorp Genetics (formerly Invitae), Labcorp
Classification: Uncertain significance for Ehlers-Danlos syndrome, type 4. Last evaluated: 2024-09-21. Review status: criteria provided, single submitter. Criteria: Invitae Variant Classification Sherloc (09022015). Collection method: clinical testing. Allele origin: germline.
Comment: This sequence change replaces glutamine, which is neutral and polar, with glutamic acid, which is acidic and polar, at codon 1283 of the COL3A1 protein (p.Gln1283Glu). This variant is present in population databases (rs587779467, gnomAD 0.01%). This variant has not been reported in the literature in individuals affected with COL3A1-related conditions. ClinVar contains an entry for this variant (Variation ID: 1429982). Invitae Evidence Modeling of protein sequence and biophysical properties (such as structural, functional, and spatial information, amino acid conservation, physicochemical variation, residue mobility, and thermodynamic stability) indicates that this missense variant is not expected to disrupt COL3A1 protein function with a negative predictive value of 95%. In summary, the available evidence is currently insufficient to determine the role of this variant in disease. Therefore, it has been classified as a Variant of Uncertain Significance.

All of Us Research Program, National Institutes of Health
Classification: Uncertain significance for Ehlers-Danlos syndrome, type 4. Last evaluated: 2024-02-05. Review status: criteria provided, single submitter. Criteria: ACMG Guidelines, 2015. Collection method: clinical testing. Allele origin: germline. Inheritance: Autosomal dominant inheritance. Observed: 1 variant allele, 1 heterozygote.
Comment: This missense variant replaces glutamine with glutamic acid at codon 1283 of the COL3A1 protein. Computational prediction suggests that this variant may not impact protein structure and function (internally defined REVEL score threshold <= 0.5, PMID: 27666373). To our knowledge, functional studies have not been reported for this variant. This variant has not been reported in individuals affected with COL3A1-related disorders in the literature. This variant has been identified in 2/251338 chromosomes in the general population by the Genome Aggregation Database (gnomAD). The available evidence is insufficient to determine the role of this variant in disease conclusively. Therefore, this variant is classified as a Variant of Uncertain Significance.

This study involves interpretation of variants in research participants for the purpose of population health screening. Participant phenotype was not available at the time of variant classification. Additional details can be found in publication PMID: 35346344, PMCID: PMC8962531